The following is an entry in ClinVar:

ClinVar aggregate classification (germline): Likely benign (1 of 4 stars; one submission).

Submission:

CeGaT Center for Human Genetics Tuebingen
Classification: Likely benign. Last evaluated: 2023-06-01. Review status: criteria provided, single submitter. Criteria: CeGaT Center For Human Genetics Tuebingen Variant Classification Criteria Version 2. Collection method: clinical testing. Allele origin: germline. Affected: yes. Observed: 1 variant allele.
Comment: DCTN1: PM2:Supporting, BP4, BP7

NM_004082.5(DCTN1):c.2982C>G (p.Val994=)

Gene: DCTN1 (dynactin subunit 1; minus strand). Cytogenetic location: 2p13.1.
Variant type: single nucleotide variant.
Coding change: c.2982C>G on transcript NM_004082.5 (MANE Select); coding-DNA position 2982, C replaced by G.
Protein change: p.Val994=; no amino-acid change (valine 994 retained).
Molecular consequence: synonymous variant. On other transcripts: non-coding transcript variant (1).
Genome position (GRCh38, 1-based): chr2:74,365,562, G>C on the plus strand (C>G on the coding strand, the complement: DCTN1 is on the minus strand). VCF-style: chr2-74365562-G-C. GRCh37 (hg19) VCF-style: chr2-74592689-G-C.
Other names: c.2922C>G, p.Val974= (NM_001135040.3); c.2580C>G, p.Val860= (NM_001135041.3, NM_023019.4); c.2871C>G, p.Val957= (NM_001190836.2); c.2961C>G, p.Val987= (NM_001190837.2); c.2931C>G, p.Val977= (NM_001378991.1); c.2913C>G, p.Val971= (NM_001378992.1).
Identifiers: ClinVar variation 2651070 (VCV002651070.23), dbSNP rs2529104486, ClinGen allele CA426813599.